The following is an entry in ClinVar:

ClinVar aggregate classification (germline): Uncertain significance (1 of 4 stars; one submission).

Conditions:
Hereditary cancer-predisposing syndrome. Also called: Neoplastic Syndromes, Hereditary; Hereditary Cancer Syndrome; Tumor predisposition; Hereditary neoplastic syndrome. Identifiers: Orphanet 140162, MedGen C0027672, MeSH D009386, MONDO:0015356.

Submission:

Ambry Genetics
Classification: Uncertain significance for Hereditary cancer-predisposing syndrome. Last evaluated: 2024-12-14. Review status: criteria provided, single submitter. Criteria: Ambry Variant Classification Scheme 2023. Collection method: clinical testing. Allele origin: germline.
Comment: The p.N767S variant (also known as c.2300A>G), located in coding exon 22 of the RB1 gene, results from an A to G substitution at nucleotide position 2300. The asparagine at codon 767 is replaced by serine, an amino acid with highly similar properties. This amino acid position is highly conserved in available vertebrate species. In addition, this alteration is predicted to be tolerated by in silico analysis. Based on the available evidence, the clinical significance of this variant remains unclear.

NM_000321.3(RB1):c.2300A>G (p.Asn767Ser)

Gene: RB1 (RB transcriptional corepressor 1; plus strand). Cytogenetic location: 13q14.2.
Variant type: single nucleotide variant.
Coding change: c.2300A>G on transcript NM_000321.3 (MANE Select); coding-DNA position 2300, A replaced by G.
Protein change: p.Asn767Ser; replaces asparagine 767 with serine.
Molecular consequence: missense variant.
Genome position (GRCh38, 1-based): chr13:48,465,086, A>G. VCF-style: chr13-48465086-A-G. GRCh37 (hg19) VCF-style: chr13-49039222-A-G.
Other names: c.2300A>G, p.Asn767Ser (NM_001407165.1); short protein forms N767S.
Identifiers: ClinVar variation 3787261 (VCV003787261.1).
Genomic context (GRCh38, chr13:48,465,086, plus strand): 5'-AGGAGTATGATTCTATTATAGTATTCTATAACTCGGTCTTCATGCAGAGACTGAAAACAA[A>G]TATTTTGCAGTATGCTTCCACCAGGGTAGGTCAAAAGTATCCTTTGATTGGAAAAATCTA-3'
Protein context (NP_000312.2, residues 757-777): NSVFMQRLKT[Asn767Ser]ILQYASTRPP